The following is an entry in ClinVar:

NM_001288705.3(CSF1R):c.2135A>G (p.Asp712Gly)

Gene: CSF1R (colony stimulating factor 1 receptor; minus strand). Cytogenetic location: 5q32.
Variant type: single nucleotide variant.
Coding change: c.2135A>G on transcript NM_001288705.3 (MANE Select); coding-DNA position 2135, A replaced by G.
Protein change: p.Asp712Gly; replaces aspartic acid 712 with glycine.
Molecular consequence: missense variant. On other transcripts: non-coding transcript variant (2).
Genome position (GRCh38, 1-based): chr5:150,057,590, T>C on the plus strand (A>G on the coding strand, the complement: CSF1R is on the minus strand). VCF-style: chr5-150057590-T-C. GRCh37 (hg19) VCF-style: chr5-149437153-T-C.
Other names: c.2135A>G, p.Asp712Gly (NM_001349736.2, NM_001375320.1, NM_005211.4); c.1691A>G, p.Asp564Gly (NM_001375321.1); short protein forms D564G, D712G.
Identifiers: ClinVar variation 4698892 (VCV004698892.1).

ClinVar aggregate classification (germline): Uncertain significance (1 of 4 stars; one submission).

gnomAD v4.1: 16 of 1,613,570 alleles (0.00099%); highest among the groups gnomAD compares: Non-Finnish European, 0.0012%; no homozygotes.

Submission:

Labcorp Genetics (formerly Invitae), Labcorp
Classification: Uncertain significance. Last evaluated: 2025-11-18. Review status: criteria provided, single submitter. Criteria: Invitae Variant Classification Sherloc (09022015). Collection method: clinical testing. Allele origin: germline.
Comment: This sequence change replaces aspartic acid, which is acidic and polar, with glycine, which is neutral and non-polar, at codon 712 of the CSF1R protein (p.Asp712Gly). This variant is present in population databases (rs748747560, gnomAD 0.01%). This variant has not been reported in the literature in individuals affected with CSF1R-related conditions. An algorithm developed to predict the effect of missense changes on protein structure and function (PolyPhen-2) suggests that this variant is likely to be disruptive. In summary, the available evidence is currently insufficient to determine the role of this variant in disease. Therefore, it has been classified as a Variant of Uncertain Significance.